The following is an entry in ClinVar:

NM_001394062.1(MACF1):c.15850A>T (p.Met5284Leu)

Gene: MACF1 (microtubule actin crosslinking factor 1; plus strand). Cytogenetic location: 1p34.3.
Variant type: single nucleotide variant.
Coding change: c.15850A>T on transcript NM_001394062.1 (MANE Select); coding-DNA position 15850, A replaced by T.
Protein change: p.Met5284Leu; replaces methionine 5284 with leucine.
Molecular consequence: missense variant.
Genome position (GRCh38, 1-based): chr1:39,422,407, A>T. VCF-style: chr1-39422407-A-T. GRCh37 (hg19) VCF-style: chr1-39888079-A-T.
Other names: c.4246A>T, p.Met1416Leu (NM_001397473.1); c.9664A>T, p.Met3222Leu (NM_012090.5); short protein forms M3222L, M5284L, M1416L.
Identifiers: ClinVar variation 4995145 (VCV004995145.1).

ClinVar aggregate classification (germline): Uncertain significance (1 of 4 stars; one submission).

Conditions:
MACF1-related disorder. Also called: MACF1-related condition.

Submission:

PreventionGenetics, part of Exact Sciences
Classification: Uncertain significance for MACF1-related condition. Last evaluated: 2025-09-03. Review status: criteria provided, single submitter. Criteria: ACMG Guidelines, 2015. Collection method: clinical testing. Allele origin: germline.
Comment: The MACF1 c.9664A>T variant is predicted to result in the amino acid substitution p.Met3222Leu. To our knowledge, this variant has not been reported in the literature or in a large population database (gnomAD), indicating this variant is rare. At this time, the clinical significance of this variant is uncertain due to the absence of conclusive functional and genetic evidence.